The following is an entry in ClinVar:

NM_004006.3(DMD):c.1483G>T (p.Val495Leu)

Gene: DMD (dystrophin; minus strand). Cytogenetic location: Xp21.1.
Variant type: single nucleotide variant.
Coding change: c.1483G>T on transcript NM_004006.3 (MANE Select); coding-DNA position 1483, G replaced by T.
Protein change: p.Val495Leu; replaces valine 495 with leucine.
Molecular consequence: missense variant.
Genome position (GRCh38, 1-based): chrX:32,595,876, C>A on the plus strand (G>T on the coding strand, the complement: DMD is on the minus strand). VCF-style: chrX-32595876-C-A. GRCh37 (hg19) VCF-style: chrX-32613993-C-A.
Other names: c.1459G>T, p.Val487Leu (NM_000109.4); c.1471G>T, p.Val491Leu (NM_004009.3); c.1114G>T, p.Val372Leu (NM_004010.3); short protein forms V495L, V487L, V491L, V372L.
Identifiers: ClinVar variation 289476 (VCV000289476.8), dbSNP rs754176290, ClinGen allele CA10379833.
Genomic context (GRCh38, chrX:32,595,876, plus strand): 5'-CCACCATGTGAGTGAGAGAATTGACCCTGACTTGTTCTTGTTCTAGATCTTCTTGAAGCA[C>A]CTGAAAGATAAAATGTTTTAAAGGAAATTAAAATGATATTCTTACATGTGTGTTGAAATG-3'
Protein context (NP_003997.2, residues 485-505): DLKRQVQQHK[Val495Leu]LQEDLEQEQV

ClinVar aggregate classification (germline): Uncertain significance. Review status: criteria provided, multiple submitters, no conflicts (2 of 4 stars). 2 submissions from 2 submitters: Uncertain significance (2). Last evaluated 2025-02-06.

Conditions:
Duchenne muscular dystrophy (DMD). Also called: Duchenne Muscular Dystrophy (DMD); MUSCULAR DYSTROPHY, PSEUDOHYPERTROPHIC PROGRESSIVE, DUCHENNE TYPE. Identifiers: Orphanet 98896, MedGen C0013264, MONDO:0010679, OMIM 310200.

gnomAD v4.1: 7 of 1,187,551 alleles (0.00059%); highest among the groups gnomAD compares: Non-Finnish European, 0.0008%; no homozygotes.

Submissions (2):

Labcorp Genetics (formerly Invitae), Labcorp
Classification: Uncertain significance for Duchenne muscular dystrophy. Last evaluated: 2025-02-06. Review status: criteria provided, single submitter. Criteria: Invitae Variant Classification Sherloc (09022015). Collection method: clinical testing. Allele origin: germline.
Comment: This sequence change replaces valine, which is neutral and non-polar, with leucine, which is neutral and non-polar, at codon 495 of the DMD protein (p.Val495Leu). This variant is present in population databases (rs754176290, gnomAD 0.004%). This variant has not been reported in the literature in individuals affected with DMD-related conditions. ClinVar contains an entry for this variant (Variation ID: 289476). An algorithm developed to predict the effect of missense changes on protein structure and function (PolyPhen-2) suggests that this variant is likely to be disruptive. In summary, the available evidence is currently insufficient to determine the role of this variant in disease. Therefore, it has been classified as a Variant of Uncertain Significance.

Eurofins Ntd Llc (ga)
Classification: Uncertain significance. Last evaluated: 2016-07-25. Review status: criteria provided, single submitter. Criteria: EGL Classification Definitions 2015. Collection method: clinical testing. Allele origin: germline. Observed: 1 variant allele, 1 heterozygote.